The following is an entry in ClinVar:

ClinVar aggregate classification (germline): Uncertain significance (1 of 4 stars; one submission).

Allele frequency attached by ClinVar (database versions not stated): gnomAD exomes below 0.00001.
gnomAD v4.1: 2 of 1,610,166 alleles (0.00012%); highest among the groups gnomAD compares: Non-Finnish European, 0.00017%; no homozygotes.

Submission:

Labcorp Genetics (formerly Invitae), Labcorp
Classification: Uncertain significance. Last evaluated: 2022-09-12. Review status: criteria provided, single submitter. Criteria: Invitae Variant Classification Sherloc (09022015). Collection method: clinical testing. Allele origin: germline.
Comment: This sequence change replaces serine, which is neutral and polar, with arginine, which is basic and polar, at codon 503 of the RAB3GAP1 protein (p.Ser503Arg). This variant is not present in population databases (gnomAD no frequency). This variant has not been reported in the literature in individuals affected with RAB3GAP1-related conditions. Advanced modeling of protein sequence and biophysical properties (such as structural, functional, and spatial information, amino acid conservation, physicochemical variation, residue mobility, and thermodynamic stability) performed at Invitae indicates that this missense variant is not expected to disrupt RAB3GAP1 protein function. In summary, the available evidence is currently insufficient to determine the role of this variant in disease. Therefore, it has been classified as a Variant of Uncertain Significance.

NM_012233.3(RAB3GAP1):c.1507A>C (p.Ser503Arg)

Gene: RAB3GAP1 (RAB3 GTPase activating protein catalytic subunit 1; plus strand). Cytogenetic location: 2q21.3.
Variant type: single nucleotide variant.
Coding change: c.1507A>C on transcript NM_012233.3 (MANE Select); coding-DNA position 1507, A replaced by C.
Protein change: p.Ser503Arg; replaces serine 503 with arginine.
Molecular consequence: missense variant.
Genome position (GRCh38, 1-based): chr2:135,135,272, A>C. VCF-style: chr2-135135272-A-C. GRCh37 (hg19) VCF-style: chr2-135892842-A-C.
Other names: c.1507A>C, p.Ser503Arg (NM_001172435.2); short protein forms S503R.
Identifiers: ClinVar variation 2132245 (VCV002132245.4), dbSNP rs2468224376, ClinGen allele CA348576257.